The following is an entry in ClinVar:

NM_012463.4(ATP6V0A2):c.1565C>T (p.Pro522Leu)

Gene: ATP6V0A2 (ATPase H+ transporting V0 subunit a2; plus strand). Cytogenetic location: 12q24.31.
Variant type: single nucleotide variant.
Coding change: c.1565C>T on transcript NM_012463.4 (MANE Select); coding-DNA position 1565, C replaced by T.
Protein change: p.Pro522Leu; replaces proline 522 with leucine.
Molecular consequence: missense variant.
Genome position (GRCh38, 1-based): chr12:123,744,932, C>T. VCF-style: chr12-123744932-C-T. GRCh37 (hg19) VCF-style: chr12-124229479-C-T.
Other names: short protein forms P522L.
Identifiers: ClinVar variation 307587 (VCV000307587.12), dbSNP rs371908109, ClinGen allele CA6861967.

ClinVar aggregate classification (germline): Uncertain significance. Review status: criteria provided, multiple submitters, no conflicts (2 of 4 stars). 5 submissions from 5 submitters: Uncertain significance (5). Last evaluated 2025-01-08.

Conditions:
Inborn genetic diseases. Identifiers: MedGen C0950123, MeSH D030342.
Wrinkly skin syndrome (WSS). Also called: Type of Gerodermia osteodysplastica. Identifiers: Orphanet 2834, MedGen C0406587, MONDO:0010208, OMIM 278250.
Cutis laxa with osteodystrophy (ARCL2A). Also called: Debré-Type Cutis Laxa; CUTIS LAXA WITH CONGENITAL DISORDER OF GLYCOSYLATION; CUTIS LAXA, AUTOSOMAL RECESSIVE, TYPE IIA; CUTIS LAXA WITH BONE DYSTROPHY; CUTIS LAXA WITH GROWTH AND DEVELOPMENTAL DELAY; CUTIS LAXA WITH JOINT LAXITY AND RETARDED DEVELOPMENT. Identifiers: Orphanet 357058, MedGen C0268355, MONDO:0018163, OMIM 219200. Disease mechanism: loss of function.
ALG9 congenital disorder of glycosylation (CDG1L). Also called: CDG Il; CONGENITAL DISORDER OF GLYCOSYLATION, TYPE Il; ALG9-CDG. Identifiers: Orphanet 79328, MedGen C2931006, MONDO:0012117, OMIM 608776.

Allele frequency attached by ClinVar (database versions not stated): gnomAD exomes below 0.00001 and 0.00002; TOPMed 0.00002; gnomAD 0.00003 and 0.00004; ESP Exome Variant Server 0.00008.
gnomAD v4.1: 39 of 1,614,094 alleles (0.0024%); highest among the groups gnomAD compares: Non-Finnish European, 0.0031%; no homozygotes.

Submissions (5):

Ambry Genetics
Classification: Uncertain significance for Inborn genetic diseases. Last evaluated: 2025-01-08. Review status: criteria provided, single submitter. Criteria: Ambry Variant Classification Scheme 2023. Collection method: clinical testing. Allele origin: germline.

Labcorp Genetics (formerly Invitae), Labcorp
Classification: Uncertain significance for ALG9 congenital disorder of glycosylation. Last evaluated: 2024-11-05. Review status: criteria provided, single submitter. Criteria: Invitae Variant Classification Sherloc (09022015). Collection method: clinical testing. Allele origin: germline.
Comment: This sequence change replaces proline, which is neutral and non-polar, with leucine, which is neutral and non-polar, at codon 522 of the ATP6V0A2 protein (p.Pro522Leu). This variant is present in population databases (rs371908109, gnomAD 0.002%). This variant has not been reported in the literature in individuals affected with ATP6V0A2-related conditions. ClinVar contains an entry for this variant (Variation ID: 307587). Invitae Evidence Modeling of protein sequence and biophysical properties (such as structural, functional, and spatial information, amino acid conservation, physicochemical variation, residue mobility, and thermodynamic stability) indicates that this missense variant is not expected to disrupt ATP6V0A2 protein function with a negative predictive value of 80%. In summary, the available evidence is currently insufficient to determine the role of this variant in disease. Therefore, it has been classified as a Variant of Uncertain Significance.

GeneDx
Classification: Uncertain significance. Last evaluated: 2022-02-01. Review status: criteria provided, single submitter. Criteria: GeneDx Variant Classification Process June 2021. Collection method: clinical testing. Allele origin: germline. Affected: yes.
Comment: Has not been previously published as pathogenic or benign to our knowledge; Not observed at significant frequency in large population cohorts (gnomAD); In silico analysis supports that this missense variant has a deleterious effect on protein structure/function

Fulgent Genetics
Classification: Uncertain significance for Cutis laxa with osteodystrophy; Wrinkly skin syndrome. Last evaluated: 2021-10-15. Review status: criteria provided, single submitter. Criteria: ACMG Guidelines, 2015. Collection method: clinical testing. Allele origin: unknown.

Illumina Laboratory Services, Illumina
Classification: Uncertain significance for Cutis laxa with osteodystrophy. Last evaluated: 2018-01-12. Review status: criteria provided, single submitter. Criteria: ICSL Variant Classification Criteria 13 December 2019. Collection method: clinical testing. Allele origin: germline.